The following is an entry in ClinVar:

NM_000113.3(TOR1A):c.13_26delinsACGGC (p.Arg5_Gly9delinsThrAla)

Genes: TOR1A (torsin family 1 member A; minus strand), LOC130002772 (ATAC-STARR-seq lymphoblastoid active region 29122; plus strand). Cytogenetic location: 9q34.11.
Variant type: Indel.
Coding change: c.13_26delinsACGGC on transcript NM_000113.3 (MANE Select); coding-DNA positions 13 to 26, CGGGCCGTGCTGGG replaced by ACGGC.
Protein change: p.Arg5_Gly9delinsThrAla.
Molecular consequence: inframe indel.
Genome position (GRCh38, 1-based): chr9:129,824,060-129,824,073, CCCAGCACGGCCCG replaced by GCCGT on the plus strand (CGGGCCGTGCTGGG replaced by ACGGC on the coding strand, the reverse complement: TOR1A is on the minus strand). VCF-style: chr9-129824060-CCCAGCACGGCCCG-GCCGT. GRCh37 (hg19) VCF-style: chr9-132586339-CCCAGCACGGCCCG-GCCGT.
Identifiers: ClinVar variation 2504309 (VCV002504309.2), dbSNP rs2490576330, ClinGen allele CA2580617109.

ClinVar aggregate classification (germline): Uncertain significance (1 of 4 stars; one submission).

Submission:

GeneDx
Classification: Uncertain significance. Last evaluated: 2023-07-28. Review status: criteria provided, single submitter. Criteria: GeneDx Variant Classification Process June 2021. Collection method: clinical testing. Allele origin: germline. Affected: yes.
Comment: Not observed at significant frequency in large population cohorts (gnomAD); In-frame deletion of five amino acids and insertion of two amino acids in a non-repeat region; In silico analysis supports that this variant does not alter protein structure/function; Has not been previously published as pathogenic or benign to our knowledge